The following is an entry in ClinVar:

ClinVar aggregate classification (germline): Likely benign. Review status: criteria provided, multiple submitters, no conflicts (2 of 4 stars). 2 submissions from 2 submitters: Likely benign (2). Last evaluated 2024-04-15.

Conditions:
Fanconi anemia (FA). Also called: Fanconi's anemia. Identifiers: Orphanet 84, MedGen C0015625, MeSH D005199, MONDO:0019391.

Allele frequency attached by ClinVar (database versions not stated): gnomAD 0.00001; TOPMed 0.00002.
gnomAD v4.1: 15 of 1,612,804 alleles (0.00093%); highest among the groups gnomAD compares: African/African-American, 0.004%; no homozygotes.

Submissions (2):

Labcorp Genetics (formerly Invitae), Labcorp
Classification: Likely benign for Fanconi anemia. Last evaluated: 2024-04-15. Review status: criteria provided, single submitter. Criteria: Invitae Variant Classification Sherloc (09022015). Collection method: clinical testing. Allele origin: germline.

GeneDx
Classification: Likely benign. Last evaluated: 2016-11-10. Review status: criteria provided, single submitter. Criteria: GeneDx Variant Classification (06012015). Collection method: clinical testing. Allele origin: germline. Affected: yes.
Comment: This variant is considered likely benign or benign based on one or more of the following criteria: it is a conservative change, it occurs at a poorly conserved position in the protein, it is predicted to be benign by multiple in silico algorithms, and/or has population frequency not consistent with disease.

NM_000136.3(FANCC):c.1072+14G>C

Genes: AOPEP (aminopeptidase O (putative); plus strand), FANCC (FA complementation group C; minus strand). Cytogenetic location: 9q22.32.
Variant type: single nucleotide variant.
Coding change: c.1072+14G>C on transcript NM_000136.3 (MANE Select); 14 bases into the intron after coding-DNA position 1072, G replaced by C.
Molecular consequence: intron variant.
Genome position (GRCh38, 1-based): chr9:95,117,301, C>G on the plus strand (G>C on the coding strand, the complement: FANCC is on the minus strand). VCF-style: chr9-95117301-C-G. GRCh37 (hg19) VCF-style: chr9-97879583-C-G.
Other names: c.1072+14G>C (NM_001243743.2, NM_001243744.2).
Identifiers: ClinVar variation 390918 (VCV000390918.8), dbSNP rs763466918, ClinGen allele CA5137478.
Genomic context (GRCh38, chr9:95,117,301, plus strand): 5'-ATGAGGAGGTCATAATTTGACAATGCTCTTCCCAGGAAATCATTCTGATGTGGGCAAAGT[C>G]AACCCTAACTCACCTTGAGGGTCTTGCAGCAGCACCATGGCAAGAGATGGAGAAGTGTAA-3'